The following is an entry in ClinVar:

NM_004006.3(DMD):c.4693C>T (p.Gln1565Ter)

Gene: DMD (dystrophin; minus strand). Cytogenetic location: Xp21.1.
Variant type: single nucleotide variant.
Coding change: c.4693C>T on transcript NM_004006.3 (MANE Select); coding-DNA position 4693, C replaced by T.
Protein change: p.Gln1565Ter; replaces glutamine 1565 with a stop codon.
Molecular consequence: nonsense.
Genome position (GRCh38, 1-based): chrX:32,380,662, G>A on the plus strand (C>T on the coding strand, the complement: DMD is on the minus strand). VCF-style: chrX-32380662-G-A. GRCh37 (hg19) VCF-style: chrX-32398779-G-A.
Other names: c.4669C>T, p.Gln1557Ter (NM_000109.4); c.4681C>T, p.Gln1561Ter (NM_004009.3); c.4324C>T, p.Gln1442Ter (NM_004010.3); c.670C>T, p.Gln224Ter (NM_004011.4); c.661C>T, p.Gln221Ter (NM_004012.4); short protein forms Q1561*, Q1442*, Q1557*, Q221*, Q1565*, Q224*.
Identifiers: ClinVar variation 803868 (VCV000803868.7), dbSNP rs1603632117, ClinGen allele CA412661576.

ClinVar aggregate classification (germline): Pathogenic. Review status: criteria provided, multiple submitters, no conflicts (2 of 4 stars). 3 submissions from 3 submitters: Pathogenic (3). Last evaluated 2023-11-04.

Conditions:
Duchenne muscular dystrophy (DMD). Also called: Duchenne Muscular Dystrophy (DMD); MUSCULAR DYSTROPHY, PSEUDOHYPERTROPHIC PROGRESSIVE, DUCHENNE TYPE. Identifiers: Orphanet 98896, MedGen C0013264, MONDO:0010679, OMIM 310200.

Submissions (3):

Labcorp Genetics (formerly Invitae), Labcorp
Classification: Pathogenic for Duchenne muscular dystrophy. Last evaluated: 2023-11-04. Review status: criteria provided, single submitter. Criteria: Invitae Variant Classification Sherloc (09022015). Collection method: clinical testing. Allele origin: germline.
Comment: This sequence change creates a premature translational stop signal (p.Gln1565*) in the DMD gene. It is expected to result in an absent or disrupted protein product. Loss-of-function variants in DMD are known to be pathogenic (PMID: 16770791, 25007885). This variant is not present in population databases (gnomAD no frequency). This premature translational stop signal has been observed in individual(s) with Duchenne muscular dystrophy (PMID: 11524473, 25761239). This variant is also known as c.4901C>T. ClinVar contains an entry for this variant (Variation ID: 803868). For these reasons, this variant has been classified as Pathogenic.

Mendelics
Classification: Pathogenic for Duchenne muscular dystrophy. Last evaluated: 2019-05-28. Review status: criteria provided, single submitter. Criteria: Mendelics Assertion Criteria 2017. Collection method: clinical testing. Allele origin: unknown.

Athena Diagnostics
Classification: Pathogenic. Last evaluated: 2018-09-30. Review status: criteria provided, single submitter. Criteria: Athena Diagnostics Criteria. Collection method: clinical testing. Allele origin: germline.
Comment: The variant creates a premature nonsense codon, and is therefore predicted to significantly disrupt the protein structure. Found in at least one symptomatic patient, and not found in general population data.

Literature cited by the submitters: PubMed 16770791 (cited by Labcorp Genetics (formerly Invitae), Labcorp); PubMed 25007885 (cited by Labcorp Genetics (formerly Invitae), Labcorp); PubMed 11524473 (cited by Labcorp Genetics (formerly Invitae), Labcorp and Athena Diagnostics); PubMed 25761239 (cited by Labcorp Genetics (formerly Invitae), Labcorp); PubMed 12632325 (cited by Athena Diagnostics); PubMed 15643612 (cited by Athena Diagnostics).